The following is an entry in ClinVar:

ClinVar aggregate classification (germline): Conflicting classifications of pathogenicity. Review status: criteria provided, conflicting classifications (1 of 4 stars). 8 submissions from 5 submitters: Uncertain significance (4); Benign (1); Likely benign (3). Last evaluated 2026-05-14.

Conditions:
NF1-related disorder. Also called: NF1-related condition. Identifiers: MedGen CN379171.
Hereditary cancer-predisposing syndrome. Also called: Neoplastic Syndromes, Hereditary; Tumor predisposition; Hereditary neoplastic syndrome; Hereditary Cancer Syndrome. Identifiers: Orphanet 140162, MedGen C0027672, MeSH D009386, MONDO:0015356.
Neurofibromatosis, familial spinal (FSNF). Identifiers: Orphanet 636, MedGen C1834235, MONDO:0008078, OMIM 162210. Disease mechanism: loss of function.
Neurofibromatosis-Noonan syndrome (NFNS). Also called: NEUROFIBROMATOSIS WITH NOONAN PHENOTYPE. Identifiers: Orphanet 638, MedGen C2931482, MONDO:0011035, OMIM 601321. Disease mechanism: loss of function.
Café-au-lait macules with pulmonary stenosis (WTSN). Also called: PULMONIC STENOSIS WITH CAFE-AU-LAIT SPOTS. Identifiers: MedGen C0553586, MONDO:0008672, OMIM 193520.
Neurofibromatosis, type 1 (NF1). Also called: VON RECKLINGHAUSEN DISEASE; Peripheral type neurofibromatosis; Neurofibromatosis, type I; NEUROFIBROMATOSIS, TYPE I, SOMATIC. Identifiers: Orphanet 636, MedGen C0027831, MONDO:0018975, OMIM 162200. Disease mechanism: loss of function.

Allele frequency attached by ClinVar (database versions not stated): ExAC 0.00001; gnomAD exomes 0.00001 and 0.00003; TOPMed 0.00002; gnomAD 0.00003; ESP Exome Variant Server 0.00008.
gnomAD v4.1: 41 of 1,613,404 alleles (0.0025%); highest among the groups gnomAD compares: African/African-American, 0.0053%; no homozygotes.

Submissions (8):

Myriad Genetics, Inc.
Classification: Benign for Neurofibromatosis, type 1. Last evaluated: 2026-05-14. Review status: criteria provided, single submitter. Criteria: Myriad Autosomal Dominant, Autosomal Recessive and X-Linked Classification Criteria (2023). Collection method: clinical testing. Allele origin: unknown.
Comment: This variant is considered benign. This variant is a silent/synonymous amino acid change and it is not expected to impact splicing.

Labcorp Genetics (formerly Invitae), Labcorp
Classification: Likely benign for Neurofibromatosis, type 1. Last evaluated: 2026-01-20. Review status: criteria provided, single submitter. Criteria: Invitae Variant Classification Sherloc (09022015). Collection method: clinical testing. Allele origin: germline.

PreventionGenetics, part of Exact Sciences
Classification: Likely benign for NF1-related condition. Last evaluated: 2025-06-23. Review status: criteria provided, single submitter. Criteria: ACMG Guidelines, 2015. Collection method: clinical testing. Allele origin: germline.
Comment: This variant is classified as likely benign based on ACMG/AMP sequence variant interpretation guidelines (Richards et al. 2015 PMID: 25741868, with internal and published modifications).

Illumina Laboratory Services, Illumina
Classification: Uncertain significance for Neurofibromatosis, familial spinal. Last evaluated: 2018-01-13. Review status: criteria provided, single submitter. Criteria: ICSL Variant Classification Criteria 13 December 2019. Collection method: clinical testing. Allele origin: germline.

Illumina Laboratory Services, Illumina
Classification: Uncertain significance for Neurofibromatosis, type 1. Last evaluated: 2018-01-13. Review status: criteria provided, single submitter. Criteria: ICSL Variant Classification Criteria 13 December 2019. Collection method: clinical testing. Allele origin: germline.

Illumina Laboratory Services, Illumina
Classification: Uncertain significance for Café-au-lait macules with pulmonary stenosis. Last evaluated: 2018-01-13. Review status: criteria provided, single submitter. Criteria: ICSL Variant Classification Criteria 13 December 2019. Collection method: clinical testing. Allele origin: germline.

Illumina Laboratory Services, Illumina
Classification: Uncertain significance for Neurofibromatosis-Noonan syndrome. Last evaluated: 2018-01-13. Review status: criteria provided, single submitter. Criteria: ICSL Variant Classification Criteria 13 December 2019. Collection method: clinical testing. Allele origin: germline.

Ambry Genetics
Classification: Likely benign for Hereditary cancer-predisposing syndrome. Last evaluated: 2014-12-22. Review status: criteria provided, single submitter. Criteria: Ambry Autosomal Dominant and X-Linked criteria (10/2015). Collection method: clinical testing. Allele origin: germline. Observed: 1 variant allele.

NM_001042492.3(NF1):c.864G>C (p.Val288=)

Gene: NF1 (neurofibromin 1; plus strand). Cytogenetic location: 17q11.2.
Variant type: single nucleotide variant.
Coding change: c.864G>C on transcript NM_001042492.3 (MANE Select); coding-DNA position 864, G replaced by C.
Protein change: p.Val288=; no amino-acid change (valine 288 retained).
Molecular consequence: synonymous variant.
Genome position (GRCh38, 1-based): chr17:31,182,641, G>C. VCF-style: chr17-31182641-G-C. GRCh37 (hg19) VCF-style: chr17-29509659-G-C.
Other names: c.864G>C, p.Val288= (NM_000267.4, NM_001128147.3).
Identifiers: ClinVar variation 184857 (VCV000184857.19), dbSNP rs201181517, ClinGen allele CA190258.
Genomic context (GRCh38, chr17:31,182,641, plus strand): 5'-ACTACAAATCATTCTCCTTATCTTGTGTCCAGAAATAATCCAGGATATATCCAAAGACGT[G>C]GTTGATGAAAACAACATGAATAAGGTAAGGAGGGCAAAATTATTTCCATTATATCTAGAT-3'
Protein context (NP_001035957.1, residues 278-298): PEIIQDISKD[Val288=]VDENNMNKKL